The following is an entry in ClinVar:

ClinVar aggregate classification (germline): Pathogenic (1 of 4 stars; one submission).

Conditions:
Dilated cardiomyopathy 1DD (CMD1DD). Identifiers: Orphanet 154, MedGen C2750995, MONDO:0013168, OMIM 613172.

Submission:

Labcorp Genetics (formerly Invitae), Labcorp
Classification: Pathogenic for Dilated cardiomyopathy 1DD. Last evaluated: 2025-11-21. Review status: criteria provided, single submitter. Criteria: Invitae Variant Classification Sherloc (09022015). Collection method: clinical testing. Allele origin: germline.
Comment: This sequence change creates a premature translational stop signal (p.His266delinsGlnCysAspLeu*) in the RBM20 gene. It is expected to result in an absent or disrupted protein product. Loss-of-function variants in RBM20 are known to be pathogenic (PMID: 20590677, 22004663, 38288598, 38510713, 40339755). This variant is not present in population databases (gnomAD no frequency). This premature translational stop signal has been observed in individual(s) with clinical features of dilated cardiomyopathy (internal data). ClinVar contains an entry for this variant (Variation ID: 3641066). For these reasons, this variant has been classified as Pathogenic.

Literature cited by the submitters: PubMed 20590677; PubMed 22004663; PubMed 38288598; PubMed 38510713; PubMed 40339755.

NM_001134363.3(RBM20):c.779_797dup (p.His266delinsGlnCysAspLeuTer)

Gene: RBM20 (RNA binding motif protein 20; plus strand). Cytogenetic location: 10q25.2.
Variant type: Duplication.
Coding change: c.779_797dup on transcript NM_001134363.3 (MANE Select); coding-DNA positions 779 to 797, 19 bases duplicated (GTGTGACCTATGAAGGGCA).
Protein change: p.His266delinsGlnCysAspLeuTer.
Molecular consequence: nonsense.
Genome position (GRCh38, 1-based): chr10:110,781,388-110,781,406, GTGTGACCTATGAAGGGCA duplicated; duplicating any 19 consecutive bases within chr10:110,781,383-110,781,406 gives the same sequence; the c. name uses the placement nearest the transcript's 3' end. VCF-style (leftmost placement, unchanged base first): chr10-110781382-C-CGGGCAGTGTGACCTATGAA. GRCh37 (hg19) VCF-style: chr10-112541140-C-CGGGCAGTGTGACCTATGAA.
Identifiers: ClinVar variation 3641066 (VCV003641066.2).